The following is an entry in ClinVar:

NM_000458.4(HNF1B):c.231C>G (p.Asp77Glu)

Gene: HNF1B (HNF1 homeobox B; minus strand). Cytogenetic location: 17q12.
Variant type: single nucleotide variant.
Coding change: c.231C>G on transcript NM_000458.4 (MANE Select); coding-DNA position 231, C replaced by G.
Protein change: p.Asp77Glu; replaces aspartic acid 77 with glutamic acid.
Molecular consequence: missense variant.
Genome position (GRCh38, 1-based): chr17:37,744,654, G>C on the plus strand (C>G on the coding strand, the complement: HNF1B is on the minus strand). VCF-style: chr17-37744654-G-C. GRCh37 (hg19) VCF-style: chr17-36104645-G-C.
Other names: c.231C>G, p.Asp77Glu (NM_001165923.4, NM_001304286.2); c.231C>G (NM_000458.3); short protein forms D77E.
Identifiers: ClinVar variation 1197761 (VCV001197761.4), dbSNP rs760448993, ClinGen allele CA290293155.

ClinVar aggregate classification (germline): Conflicting classifications of pathogenicity. Review status: criteria provided, conflicting classifications (1 of 4 stars). 3 submissions from 3 submitters: Uncertain significance (1); Likely benign (1). 1 of the submissions does not count toward it. Last evaluated 2024-06-03.

Conditions:
Type 2 diabetes mellitus. Also called: Type II diabetes mellitus. Identifiers: MedGen C0011860, MeSH D003924, MONDO:0005148, OMIM 125853, HP:0005978.
Nonpapillary renal cell carcinoma. Identifiers: Orphanet 422526, MedGen CN074294, MONDO:0007763, OMIM 144700.
Renal cysts and diabetes syndrome (RCAD). Also called: Familial hypoplastic, glomerulocystic kidney; MATURITY-ONSET DIABETES OF THE YOUNG, TYPE 5. Identifiers: Orphanet 93111, MedGen C0431693, MONDO:0007669, OMIM 137920.
HNF1B-related disorder. Also called: HNF1B-related condition; HNF1B-related disorders.

Allele frequency attached by ClinVar (database versions not stated): gnomAD 0.00001; gnomAD exomes 0.00001 and 0.00002; TOPMed 0.00002.
gnomAD v4.1: 29 of 1,612,900 alleles (0.0018%); highest among the groups gnomAD compares: Non-Finnish European, 0.0024%; no homozygotes.

Submissions (3):

Fulgent Genetics
Classification: Uncertain significance for Type 2 diabetes mellitus; Renal cysts and diabetes syndrome; Nonpapillary renal cell carcinoma. Last evaluated: 2024-06-03. Review status: criteria provided, single submitter. Criteria: ACMG Guidelines, 2015. Collection method: clinical testing. Allele origin: germline.

GeneDx
Classification: Likely benign. Last evaluated: 2021-06-17. Review status: criteria provided, single submitter. Criteria: GeneDx Variant Classification Process June 2021. Collection method: clinical testing. Allele origin: germline. Affected: yes.
Comment: In silico analysis supports that this missense variant does not alter protein structure/function; Has not been previously published as pathogenic or benign to our knowledge; This variant is associated with the following publications: (PMID: 32041611, 27535533)

PreventionGenetics, part of Exact Sciences
Classification: Uncertain significance for HNF1B-related condition. Last evaluated: 2024-04-19. Review status: no assertion criteria provided. Collection method: clinical testing. Allele origin: germline. Not counted in ClinVar's aggregate classification.
Comment: The HNF1B c.231C>G variant is predicted to result in the amino acid substitution p.Asp77Glu. This variant was reported in an individual with dyslipidemia (Supplementary Table 4 in Dron et al 2020. PubMed ID: 32041611). This variant is reported in 0.0031% of alleles in individuals of European (Non-Finnish) descent in gnomAD. At this time, the clinical significance of this variant is uncertain due to the absence of conclusive functional and genetic evidence.